The following is an entry in ClinVar:

ClinVar aggregate classification (germline): Uncertain significance. Review status: criteria provided, multiple submitters, no conflicts (2 of 4 stars). 2 submissions from 2 submitters: Uncertain significance (2). Last evaluated 2025-06-20.

gnomAD v4.1: 5 of 1,614,042 alleles (0.00031%); highest among the groups gnomAD compares: Admixed American, 0.005%; no homozygotes.

Submissions (2):

Labcorp Genetics (formerly Invitae), Labcorp
Classification: Uncertain significance. Last evaluated: 2025-06-20. Review status: criteria provided, single submitter. Criteria: Invitae Variant Classification Sherloc (09022015). Collection method: clinical testing. Allele origin: germline.
Comment: This sequence change replaces arginine, which is basic and polar, with glycine, which is neutral and non-polar, at codon 300 of the HYOU1 protein (p.Arg300Gly). This variant is not present in population databases (gnomAD no frequency). This variant has not been reported in the literature in individuals affected with HYOU1-related conditions. ClinVar contains an entry for this variant (Variation ID: 3527306). An algorithm developed to predict the effect of missense changes on protein structure and function (PolyPhen-2) suggests that this variant is likely to be tolerated. In summary, the available evidence is currently insufficient to determine the role of this variant in disease. Therefore, it has been classified as a Variant of Uncertain Significance.

Ambry Genetics
Classification: Uncertain significance. Last evaluated: 2024-12-04. Review status: criteria provided, single submitter. Criteria: Ambry Variant Classification Scheme 2023. Collection method: clinical testing. Allele origin: germline.

NM_006389.5(HYOU1):c.898C>G (p.Arg300Gly)

Gene: HYOU1 (hypoxia up-regulated 1; minus strand). Cytogenetic location: 11q23.3.
Variant type: single nucleotide variant.
Coding change: c.898C>G on transcript NM_006389.5 (MANE Select); coding-DNA position 898, C replaced by G.
Protein change: p.Arg300Gly; replaces arginine 300 with glycine.
Molecular consequence: missense variant.
Genome position (GRCh38, 1-based): chr11:119,052,726, G>C on the plus strand (C>G on the coding strand, the complement: HYOU1 is on the minus strand). VCF-style: chr11-119052726-G-C. GRCh37 (hg19) VCF-style: chr11-118923438-G-C.
Other names: c.898C>G, p.Arg300Gly (NM_001130991.3, NM_001411041.1); short protein forms R300G.
Identifiers: ClinVar variation 3527306 (VCV003527306.2).
Genomic context (GRCh38, chr11:119,052,726, plus strand): 5'-GGACGGTTTTGAGCCGATTAGCCTCACGCAGCAGCTTGGCCATGGCACGCGGGTTCTCCC[G>C]CACATCCTTTGCTCTCTGACCCTTGCGCTGCTCATTGAAAAGCCCAGCCAGGCGTTCTCG-3'
Protein context (NP_006380.1, residues 290-310): QRKGQRAKDV[Arg300Gly]ENPRAMAKLL